The following is an entry in ClinVar:

NM_018972.4(GDAP1):c.579+5G>A

Gene: GDAP1 (ganglioside induced differentiation associated protein 1; plus strand). Cytogenetic location: 8q21.11.
Variant type: single nucleotide variant.
Coding change: c.579+5G>A on transcript NM_018972.4 (MANE Select); 5 bases into the intron after coding-DNA position 579, G replaced by A.
Molecular consequence: intron variant.
Genome position (GRCh38, 1-based): chr8:74,361,983, G>A. VCF-style: chr8-74361983-G-A. GRCh37 (hg19) VCF-style: chr8-75274218-G-A.
Other names: c.579+5G>A (NM_018972.2, NM_001362931.2); c.405+5G>A (NM_001362930.2); c.252+5G>A (NM_001362929.2, NM_001362932.2); c.375+5G>A (NM_001040875.4).
Identifiers: ClinVar variation 1013583 (VCV001013583.39), dbSNP rs1809391441, ClinGen allele CA923726144.

ClinVar aggregate classification (germline): Uncertain significance. Review status: criteria provided, multiple submitters, no conflicts (2 of 4 stars). 2 submissions from 2 submitters: Uncertain significance (2). Last evaluated 2020-12-01.

Conditions:
Charcot-Marie-Tooth disease type 4A. Also called: Charcot-Marie-Tooth disease, demyelinating, autosomal recessive, type 4a. Identifiers: Orphanet 99948, MedGen C1859198, MONDO:0008961, OMIM 214400.

Submissions (2):

CeGaT Center for Human Genetics Tuebingen
Classification: Uncertain significance. Last evaluated: 2020-12-01. Review status: criteria provided, single submitter. Criteria: CeGaT Center For Human Genetics Tuebingen Variant Classification Criteria Version 2. Collection method: clinical testing. Allele origin: germline. Affected: yes. Observed: 1 variant allele.

Victorian Clinical Genetics Services, Murdoch Childrens Research Institute
Classification: Uncertain significance for Charcot-Marie-Tooth disease type 4A. Last evaluated: 2020-06-11. Review status: criteria provided, single submitter. Criteria: ACMG Guidelines, 2015. Collection method: clinical testing. Allele origin: germline. Affected: yes.
Comment: Based on the classification scheme VCGS_Germline_v1.1.1, this variant is classified as 3A-VUS. Following criteria are met: 0102 - Loss-of-function is a known mechanism of disease for this gene. (N) 0108 - This gene is known to be associated with both recessive and dominant disease. GDAP1 is associated with both dominant and recessive forms of CMT, however the dominant condition generally presents with a milder phenotype and later onset (OMIM). (N) 0212 - Non-canonical splice variant without proven consequence on splicing (no functional evidence available). This variant is in intron 4 of 5 of the GDAP1 gene. (P) 0252 - Variant is homozygous. (N) 0301 - Variant is absent from gnomAD. (P) 0505 - Abnormal splicing is predicted by in silico tools and affected nucleotide is highly conserved. (P) 0705 - No comparable variants have previous evidence for pathogenicity. (N) 0807 - Variant has not previously been reported in a clinical context. (N) 0905 - No segregation evidence has been identified for this variant in the literature. (N) 1007 - No published functional evidence has been identified for this variant. (N) 1208 - Inheritance information for this variant is not currently available. (N) Legend: (P) - Pathogenic, (N) - Neutral, (B) - Benign